The following is an entry in ClinVar:

NM_001080414.4(CCDC88C):c.5510G>A (p.Gly1837Asp)

Gene: CCDC88C (coiled-coil and HOOK domain protein 88C; minus strand). Cytogenetic location: 14q32.11.
Variant type: single nucleotide variant.
Coding change: c.5510G>A on transcript NM_001080414.4 (MANE Select); coding-DNA position 5510, G replaced by A.
Protein change: p.Gly1837Asp; replaces glycine 1837 with aspartic acid.
Molecular consequence: missense variant.
Genome position (GRCh38, 1-based): chr14:91,273,202, C>T on the plus strand (G>A on the coding strand, the complement: CCDC88C is on the minus strand). VCF-style: chr14-91273202-C-T. GRCh37 (hg19) VCF-style: chr14-91739546-C-T.
Other names: c.5510G>A (NM_001080414.3); short protein forms G1837D.
Identifiers: ClinVar variation 1206292 (VCV001206292.10), dbSNP rs776764078, ClinGen allele CA7308641.

ClinVar aggregate classification (germline): Uncertain significance. Review status: criteria provided, multiple submitters, no conflicts (2 of 4 stars). 5 submissions from 5 submitters: Uncertain significance (3). 2 of the submissions do not count toward it. Last evaluated 2026-01-01.

Conditions:
Inborn genetic diseases. Identifiers: MedGen C0950123, MeSH D030342.

Allele frequency attached by ClinVar (database versions not stated): gnomAD 0.00012 and 0.00013; TOPMed 0.00012; gnomAD exomes 0.00014; ExAC 0.00031.
gnomAD v4.1: 213 of 1,571,160 alleles (0.014%); highest among the groups gnomAD compares: Non-Finnish European, 0.016%; 1 homozygote.

Submissions (5):

CeGaT Center for Human Genetics Tuebingen
Classification: Uncertain significance. Last evaluated: 2026-01-01. Review status: criteria provided, single submitter. Criteria: CeGaT Center For Human Genetics Tuebingen Variant Classification Criteria Version 2. Collection method: clinical testing. Allele origin: germline. Affected: yes. Observed: 1 variant allele.
Comment: CCDC88C: PM2, BP4

Labcorp Genetics (formerly Invitae), Labcorp
Classification: Uncertain significance. Last evaluated: 2025-01-06. Review status: criteria provided, single submitter. Criteria: Invitae Variant Classification Sherloc (09022015). Collection method: clinical testing. Allele origin: germline.
Comment: This sequence change replaces glycine, which is neutral and non-polar, with aspartic acid, which is acidic and polar, at codon 1837 of the CCDC88C protein (p.Gly1837Asp). This variant is present in population databases (rs776764078, gnomAD 0.03%). This variant has not been reported in the literature in individuals affected with CCDC88C-related conditions. ClinVar contains an entry for this variant (Variation ID: 1206292). An algorithm developed to predict the effect of missense changes on protein structure and function (PolyPhen-2) suggests that this variant¬†is likely to be tolerated. In summary, the available evidence is currently insufficient to determine the role of this variant in disease. Therefore, it has been classified as a Variant of Uncertain Significance.

Ambry Genetics
Classification: Uncertain significance for Inborn genetic diseases. Last evaluated: 2022-09-20. Review status: criteria provided, single submitter. Criteria: Ambry Variant Classification Scheme 2023. Collection method: clinical testing. Allele origin: germline.

Clinical Genetics DNA and cytogenetics Diagnostics Lab, Erasmus MC, Erasmus Medical Center
Classification: Uncertain significance. Review status: no assertion criteria provided. Collection method: clinical testing. Allele origin: germline. Affected: yes. Study: VKGL Data-share Consensus. Not counted in ClinVar's aggregate classification.

Laboratory of Diagnostic Genome Analysis, Leiden University Medical Center (LUMC)
Classification: Uncertain significance. Review status: no assertion criteria provided. Collection method: clinical testing. Allele origin: germline. Affected: yes. Study: VKGL Data-share Consensus. Not counted in ClinVar's aggregate classification.